The following is an entry in ClinVar:

NM_000270.4(PNP):c.13T>C (p.Tyr5His)

Gene: PNP (purine nucleoside phosphorylase; plus strand). Cytogenetic location: 14q11.2.
Variant type: single nucleotide variant.
Coding change: c.13T>C on transcript NM_000270.4 (MANE Select); coding-DNA position 13, T replaced by C.
Protein change: p.Tyr5His; replaces tyrosine 5 with histidine.
Molecular consequence: missense variant.
Genome position (GRCh38, 1-based): chr14:20,472,309, T>C. VCF-style: chr14-20472309-T-C. GRCh37 (hg19) VCF-style: chr14-20940468-T-C.
Other names: short protein forms Y5H.
Identifiers: ClinVar variation 1370071 (VCV001370071.5), dbSNP rs200560458, ClinGen allele CA7082001.

ClinVar aggregate classification (germline): Uncertain significance (1 of 4 stars; one submission).

Conditions:
Purine-nucleoside phosphorylase deficiency. Also called: NUCLEOSIDE PHOSPHORYLASE DEFICIENCY; Immunodeficiency due to purine nucleoside phosphorylase deficiency. Identifiers: Orphanet 760, MedGen C0268125, MONDO:0013171, OMIM 613179.

Allele frequency attached by ClinVar (database versions not stated): gnomAD 0.00001; gnomAD exomes 0.00002 and 0.00003; ExAC 0.00003; TOPMed 0.00003; ESP Exome Variant Server 0.00008.
gnomAD v4.1: 24 of 1,613,306 alleles (0.0015%); highest among the groups gnomAD compares: Admixed American, 0.005%; no homozygotes.

Submission:

Labcorp Genetics (formerly Invitae), Labcorp
Classification: Uncertain significance for Purine-nucleoside phosphorylase deficiency. Last evaluated: 2025-06-20. Review status: criteria provided, single submitter. Criteria: Invitae Variant Classification Sherloc (09022015). Collection method: clinical testing. Allele origin: germline.
Comment: This sequence change replaces tyrosine, which is neutral and polar, with histidine, which is basic and polar, at codon 5 of the PNP protein (p.Tyr5His). This variant is present in population databases (rs200560458, gnomAD 0.009%). This variant has not been reported in the literature in individuals affected with PNP-related conditions. ClinVar contains an entry for this variant (Variation ID: 1370071). An algorithm developed to predict the effect of missense changes on protein structure and function (PolyPhen-2) suggests that this variant is likely to be tolerated. In summary, the available evidence is currently insufficient to determine the role of this variant in disease. Therefore, it has been classified as a Variant of Uncertain Significance.